The following is an entry in ClinVar:

ClinVar aggregate classification (germline): Uncertain significance. Review status: criteria provided, multiple submitters, no conflicts (2 of 4 stars). 2 submissions from 2 submitters: Uncertain significance (2). Last evaluated 2024-01-30.

Conditions:
Hereditary cancer-predisposing syndrome. Also called: Neoplastic Syndromes, Hereditary; Hereditary neoplastic syndrome; Tumor predisposition; Hereditary Cancer Syndrome. Identifiers: Orphanet 140162, MedGen C0027672, MeSH D009386, MONDO:0015356.
Ataxia-telangiectasia syndrome (AT). Also called: Ataxia telangiectasia (A-T); Cerebello-oculocutaneous telangiectasia; Immunodeficiency with ataxia telangiectasia; LOUIS-BAR SYNDROME; AT, COMPLEMENTATION GROUP C; ATAXIA-TELANGIECTASIA, FRESNO VARIANT. Identifiers: Orphanet 100, MedGen C0004135, MONDO:0008840, OMIM 208900.

Submissions (2):

Ambry Genetics
Classification: Uncertain significance for Hereditary cancer-predisposing syndrome. Last evaluated: 2024-01-30. Review status: criteria provided, single submitter. Criteria: Ambry Variant Classification Scheme 2023. Collection method: clinical testing. Allele origin: germline.
Comment: The p.L2033P variant (also known as c.6098T>C), located in coding exon 41 of the ATM gene, results from a T to C substitution at nucleotide position 6098. The leucine at codon 2033 is replaced by proline, an amino acid with similar properties. This amino acid position is poorly conserved in available vertebrate species. In addition, the in silico prediction for this alteration is inconclusive. Based on the available evidence, the clinical significance of this alteration remains unclear.

Labcorp Genetics (formerly Invitae), Labcorp
Classification: Uncertain significance for Ataxia-telangiectasia syndrome. Last evaluated: 2023-08-30. Review status: criteria provided, single submitter. Criteria: Invitae Variant Classification Sherloc (09022015). Collection method: clinical testing. Allele origin: germline.
Comment: In summary, the available evidence is currently insufficient to determine the role of this variant in disease. Therefore, it has been classified as a Variant of Uncertain Significance. An algorithm developed to predict the effect of missense changes on protein structure and function (PolyPhen-2) suggests that this variant is likely to be disruptive. ClinVar contains an entry for this variant (Variation ID: 233846). This variant has not been reported in the literature in individuals affected with ATM-related conditions. This variant is not present in population databases (gnomAD no frequency). This sequence change replaces leucine, which is neutral and non-polar, with proline, which is neutral and non-polar, at codon 2033 of the ATM protein (p.Leu2033Pro).

NM_000051.4(ATM):c.6098T>C (p.Leu2033Pro)

Genes: C11orf65 (chromosome 11 open reading frame 65; minus strand), ATM (ATM serine/threonine kinase; plus strand). Cytogenetic location: 11q22.3.
Variant type: single nucleotide variant.
Coding change: c.6098T>C on transcript NM_000051.4 (MANE Select); coding-DNA position 6098, T replaced by C.
Protein change: p.Leu2033Pro; replaces leucine 2033 with proline.
Molecular consequence: missense variant. On other transcripts: intron variant (2).
Genome position (GRCh38, 1-based): chr11:108,316,013, T>C. VCF-style: chr11-108316013-T-C. GRCh37 (hg19) VCF-style: chr11-108186740-T-C.
Other names: c.6098T>C, p.Leu2033Pro (NM_001351834.2); c.641-6942A>G (NM_001330368.2); c.*39-6942A>G (NM_001351110.2); short protein forms L2033P.
Identifiers: ClinVar variation 233846 (VCV000233846.15), dbSNP rs876660681, ClinGen allele CA10579208.